The following is an entry in ClinVar:

ClinVar aggregate classification (germline): Uncertain significance. Review status: criteria provided, multiple submitters, no conflicts (2 of 4 stars). 2 submissions from 2 submitters: Uncertain significance (2). Last evaluated 2023-03-26.

Conditions:
Familial sleep-related hypermotor epilepsy. Also called: Autosomal Dominant Sleep-Related Hypermotor (Hyperkinetic) Epilepsy. Identifiers: Orphanet 98784, MedGen C3696898, MONDO:0000030.

Allele frequency attached by ClinVar (database versions not stated): gnomAD exomes 0.00001.

Submissions (2):

Labcorp Genetics (formerly Invitae), Labcorp
Classification: Uncertain significance. Last evaluated: 2023-03-26. Review status: criteria provided, single submitter. Criteria: Invitae Variant Classification Sherloc (09022015). Collection method: clinical testing. Allele origin: germline.
Comment: In summary, the available evidence is currently insufficient to determine the role of this variant in disease. Therefore, it has been classified as a Variant of Uncertain Significance. Advanced modeling of protein sequence and biophysical properties (such as structural, functional, and spatial information, amino acid conservation, physicochemical variation, residue mobility, and thermodynamic stability) performed at Invitae indicates that this missense variant is not expected to disrupt CHRNA4 protein function. ClinVar contains an entry for this variant (Variation ID: 420311). This variant has not been reported in the literature in individuals affected with CHRNA4-related conditions. The frequency data for this variant in the population databases is considered unreliable, as metrics indicate poor data quality at this position in the gnomAD database. This sequence change replaces serine, which is neutral and polar, with phenylalanine, which is neutral and non-polar, at codon 426 of the CHRNA4 protein (p.Ser426Phe).

GeneDx
Classification: Uncertain significance. Last evaluated: 2016-01-05. Review status: criteria provided, single submitter. Criteria: GeneDx Variant Classification (06012015). Collection method: clinical testing. Allele origin: germline. Affected: yes.
Comment: A variant of uncertain significance has been identified in the CHRNA4 gene. The S426F variant has not been published as a pathogenic variant, nor has it been reported as a benign variant to our knowledge. It was not observed in approximately 6,400 individuals of European and African American ancestry in the NHLBI Exome Sequencing Project, indicating it is not a common benign variant in these populations. The S426F variant is a non-conservative amino acid substitution, which is likely to impact secondary protein structure as these residues differ in polarity, charge, size, and/or other properties. However, this substitution occurs at a position that is not conserved. Additionally, this amino acid substitution is not predicted to occur within the transmembrane region of the protein, where the vast majority of pathogenic missense variants have been identified in association with epilepsy (Steinlein et al., 2010). In silico analysis is inconsistent in its predictions as to whether or not the variant is damaging to the protein structure/function. Therefore, based on the currently available information, it is unclear whether this variant is a pathogenic variant or a rare benign variant.

NM_000744.7(CHRNA4):c.1277C>T (p.Ser426Phe)

Gene: CHRNA4 (cholinergic receptor nicotinic alpha 4 subunit; minus strand). Cytogenetic location: 20q13.33.
Variant type: single nucleotide variant.
Coding change: c.1277C>T on transcript NM_000744.7 (MANE Select); coding-DNA position 1277, C replaced by T.
Protein change: p.Ser426Phe; replaces serine 426 with phenylalanine.
Molecular consequence: missense variant. On other transcripts: non-coding transcript variant (1).
Genome position (GRCh38, 1-based): chr20:63,350,134, G>A on the plus strand (C>T on the coding strand, the complement: CHRNA4 is on the minus strand). VCF-style: chr20-63350134-G-A. GRCh37 (hg19) VCF-style: chr20-61981486-G-A.
Other names: c.749C>T, p.Ser250Phe (NM_001256573.2); short protein forms S426F, S250F.
Identifiers: ClinVar variation 420311 (VCV000420311.5), dbSNP rs1064794408, ClinGen allele CA16620951.
Genomic context (GRCh38, chr20:63,350,134, plus strand): 5'-GGCGAGGGGTGGGGGCTGGCTTTCTCAGCTTCCAGGGGCTGCTGAGGAGGGAGCTGGTCG[G>A]AGGGTGACTTGCAGGAAGGCCCAGGCTCAGCCGGCACATCCAGGGGGACACAGAAGGACG-3'
Protein context (NP_000735.1, residues 416-436): AEPGPSCKSP[Ser426Phe]DQLPPQQPLE